The following is an entry in ClinVar:

NM_004360.5(CDH1):c.163+2T>C

Gene: CDH1 (cadherin 1; plus strand). Cytogenetic location: 16q22.1.
Variant type: single nucleotide variant.
Coding change: c.163+2T>C on transcript NM_004360.5 (MANE Select); the canonical splice donor site of the intron after coding-DNA position 163, T replaced by C.
Molecular consequence: splice donor variant.
Genome position (GRCh38, 1-based): chr16:68,738,413, T>C. VCF-style: chr16-68738413-T-C. GRCh37 (hg19) VCF-style: chr16-68772316-T-C.
Other names: c.-1453+2T>C (NM_001317185.2); c.-1657+2T>C (NM_001317186.2); c.163+2T>C (NM_001317184.2).
Identifiers: ClinVar variation 2583207 (VCV002583207.2), dbSNP rs1597838780, ClinGen allele CA396452350.

ClinVar aggregate classification (germline): Likely pathogenic (1 of 4 stars; one submission).

Conditions:
Hereditary diffuse gastric adenocarcinoma (HDGC). Also called: DIFFUSE GASTRIC AND LOBULAR BREAST CANCER SYNDROME. Identifiers: Orphanet 26106, MedGen C1708349, MONDO:0007648, OMIM 137215.

Allele frequency attached by ClinVar (database versions not stated): gnomAD exomes below 0.00001.
gnomAD v4.1: 1 of 1,536,040 alleles (0.000065%); highest among the groups gnomAD compares: Non-Finnish European, 0.000088%; no homozygotes.

Submission:

Myriad Genetics, Inc.
Classification: Likely pathogenic for Hereditary diffuse gastric adenocarcinoma. Last evaluated: 2023-06-08. Review status: criteria provided, single submitter. Criteria: Myriad Autosomal Dominant, Autosomal Recessive and X-Linked Classification Criteria (2023). Collection method: clinical testing. Allele origin: unknown.
Comment: This variant is considered likely pathogenic. This variant occurs within a consensus splice junction and is predicted to result in abnormal mRNA splicing of either an out-of-frame exon or an in-frame exon necessary for protein stability and/or normal function.